The following is an entry in ClinVar:

ClinVar aggregate classification (germline): Uncertain significance. Review status: criteria provided, multiple submitters, no conflicts (2 of 4 stars). 2 submissions from 2 submitters: Uncertain significance (2). Last evaluated 2025-09-20.

Conditions:
Hereditary cancer-predisposing syndrome. Also called: Neoplastic Syndromes, Hereditary; Tumor predisposition; Hereditary Cancer Syndrome; Hereditary neoplastic syndrome. Identifiers: Orphanet 140162, MedGen C0027672, MeSH D009386, MONDO:0015356.
Gastrointestinal stromal tumor. Also called: Gastrointestinal stromal tumor, somatic; Gastrointestinal stroma tumor. Identifiers: Orphanet 44890, MedGen C0238198, MeSH D046152, MONDO:0011719, OMIM 606764, HP:0100723.

Allele frequency attached by ClinVar (database versions not stated): gnomAD exomes below 0.00001.
gnomAD v4.1: 1 of 1,613,990 alleles (0.000062%); highest among the groups gnomAD compares: East Asian, 0.0022%; no homozygotes.

Submissions (2):

Labcorp Genetics (formerly Invitae), Labcorp
Classification: Uncertain significance for Gastrointestinal stromal tumor. Last evaluated: 2025-09-20. Review status: criteria provided, single submitter. Criteria: Invitae Variant Classification Sherloc (09022015). Collection method: clinical testing. Allele origin: germline.
Comment: This sequence change replaces alanine, which is neutral and non-polar, with valine, which is neutral and non-polar, at codon 210 of the KIT protein (p.Ala210Val). This variant is present in population databases (no rsID available, gnomAD 0.006%). This variant has not been reported in the literature in individuals affected with KIT-related conditions. ClinVar contains an entry for this variant (Variation ID: 864663). An algorithm developed to predict the effect of missense changes on protein structure and function (PolyPhen-2) suggests that this variant is likely to be tolerated. In summary, the available evidence is currently insufficient to determine the role of this variant in disease. Therefore, it has been classified as a Variant of Uncertain Significance.

Ambry Genetics
Classification: Uncertain significance for Hereditary cancer-predisposing syndrome. Last evaluated: 2025-04-22. Review status: criteria provided, single submitter. Criteria: Ambry Variant Classification Scheme 2023. Collection method: clinical testing. Allele origin: germline.
Comment: The p.A210V variant (also known as c.629C>T), located in coding exon 4 of the KIT gene, results from a C to T substitution at nucleotide position 629. The alanine at codon 210 is replaced by valine, an amino acid with similar properties. This amino acid position is well conserved in available vertebrate species. In addition, this alteration is predicted to be tolerated by in silico analysis. Based on the available evidence, the clinical significance of this variant remains unclear.

NM_000222.3(KIT):c.629C>T (p.Ala210Val)

Gene: KIT (KIT proto-oncogene, receptor tyrosine kinase; plus strand). Cytogenetic location: 4q12.
Variant type: single nucleotide variant.
Coding change: c.629C>T on transcript NM_000222.3 (MANE Select); coding-DNA position 629, C replaced by T.
Protein change: p.Ala210Val; replaces alanine 210 with valine.
Molecular consequence: missense variant.
Genome position (GRCh38, 1-based): chr4:54,699,639, C>T. VCF-style: chr4-54699639-C-T. GRCh37 (hg19) VCF-style: chr4-55565805-C-T.
Other names: c.629C>T, p.Ala210Val (NM_001093772.2, NM_001385284.1, NM_001385285.1 and 4 more transcripts); short protein forms A210V.
Identifiers: ClinVar variation 864663 (VCV000864663.9), dbSNP rs1456585233, ClinGen allele CA356898163.